The following is an entry in ClinVar:

ClinVar aggregate classification (germline): Uncertain significance. Review status: criteria provided, multiple submitters, no conflicts (2 of 4 stars). 3 submissions from 3 submitters: Uncertain significance (3). Last evaluated 2025-06-10.

Conditions:
Inborn genetic diseases. Identifiers: MedGen C0950123, MeSH D030342.
Ataxia - intellectual disability - oculomotor apraxia - cerebellar cysts syndrome. Also called: Poretti-Boltshauser syndrome. Identifiers: Orphanet 370022, MedGen C4014821, MONDO:0014419, OMIM 615960.

Allele frequency attached by ClinVar (database versions not stated): ExAC 0.00001; gnomAD 0.00001; gnomAD exomes 0.00001; TOPMed 0.00001.
gnomAD v4.1: 13 of 1,612,806 alleles (0.00081%); highest among the groups gnomAD compares: Admixed American, 0.013%; no homozygotes.

Submissions (3):

Laboratorio de Genetica e Diagnostico Molecular, Hospital Israelita Albert Einstein
Classification: Uncertain significance for Ataxia - intellectual disability - oculomotor apraxia - cerebellar cysts syndrome. Last evaluated: 2025-06-10. Review status: criteria provided, single submitter. Criteria: ACMG Guidelines, 2015. Collection method: clinical testing. Allele origin: germline. Affected: yes.
Comment: ACMG classification criteria: PM2 supporting, PM3 supporting, PP3 supporting

Ambry Genetics
Classification: Uncertain significance for Inborn genetic diseases. Last evaluated: 2024-04-15. Review status: criteria provided, single submitter. Criteria: Ambry Variant Classification Scheme 2023. Collection method: clinical testing. Allele origin: germline.

Labcorp Genetics (formerly Invitae), Labcorp
Classification: Uncertain significance. Last evaluated: 2024-02-24. Review status: criteria provided, single submitter. Criteria: Invitae Variant Classification Sherloc (09022015). Collection method: clinical testing. Allele origin: germline.
Comment: This sequence change replaces cysteine, which is neutral and slightly polar, with arginine, which is basic and polar, at codon 932 of the LAMA1 protein (p.Cys932Arg). This variant is present in population databases (rs767217815, gnomAD 0.006%). This variant has not been reported in the literature in individuals affected with LAMA1-related conditions. ClinVar contains an entry for this variant (Variation ID: 1416718). Advanced modeling of protein sequence and biophysical properties (such as structural, functional, and spatial information, amino acid conservation, physicochemical variation, residue mobility, and thermodynamic stability) performed at Invitae indicates that this missense variant is expected to disrupt LAMA1 protein function with a positive predictive value of 80%. In summary, the available evidence is currently insufficient to determine the role of this variant in disease. Therefore, it has been classified as a Variant of Uncertain Significance.

NM_005559.4(LAMA1):c.2794T>C (p.Cys932Arg)

Gene: LAMA1 (laminin subunit alpha 1; minus strand). Cytogenetic location: 18p11.31.
Variant type: single nucleotide variant.
Coding change: c.2794T>C on transcript NM_005559.4 (MANE Select); coding-DNA position 2794, T replaced by C.
Protein change: p.Cys932Arg; replaces cysteine 932 with arginine.
Molecular consequence: missense variant.
Genome position (GRCh38, 1-based): chr18:7,017,292, A>G on the plus strand (T>C on the coding strand, the complement: LAMA1 is on the minus strand). VCF-style: chr18-7017292-A-G. GRCh37 (hg19) VCF-style: chr18-7017291-A-G.
Other names: c.2794T>C (NM_005559.3); short protein forms C932R.
Identifiers: ClinVar variation 1416718 (VCV001416718.9), dbSNP rs767217815, ClinGen allele CA8882527.